The following is an entry in ClinVar:

ClinVar aggregate classification (germline): Uncertain significance. Review status: criteria provided, multiple submitters, no conflicts (2 of 4 stars). 3 submissions from 3 submitters: Uncertain significance (2). 1 of the submissions does not count toward it. Last evaluated 2025-07-12.

Conditions:
Inborn genetic diseases. Identifiers: MedGen C0950123, MeSH D030342.
Severe X-linked myotubular myopathy (CNMX). Also called: X-linked centronuclear myopathy; Myotubular myopathy, X-linked; MYOTUBULAR MYOPATHY 1. Identifiers: Orphanet 596, MedGen C0410203, MONDO:0010683, OMIM 310400.

Allele frequency attached by ClinVar (database versions not stated): TOPMed 0.00002.
gnomAD v4.1: 2 of 1,211,332 alleles (0.00017%); no homozygotes.

Submissions (3):

Ambry Genetics
Classification: Uncertain significance for Inborn genetic diseases. Last evaluated: 2025-07-12. Review status: criteria provided, single submitter. Criteria: Ambry Variant Classification Scheme 2023. Collection method: clinical testing. Allele origin: germline.

Labcorp Genetics (formerly Invitae), Labcorp
Classification: Uncertain significance for Severe X-linked myotubular myopathy. Last evaluated: 2023-05-15. Review status: criteria provided, single submitter. Criteria: Invitae Variant Classification Sherloc (09022015). Collection method: clinical testing. Allele origin: germline.
Comment: In summary, the available evidence is currently insufficient to determine the role of this variant in disease. Therefore, it has been classified as a Variant of Uncertain Significance. Advanced modeling of protein sequence and biophysical properties (such as structural, functional, and spatial information, amino acid conservation, physicochemical variation, residue mobility, and thermodynamic stability) performed at Invitae indicates that this missense variant is not expected to disrupt MTM1 protein function. ClinVar contains an entry for this variant (Variation ID: 965592). This variant has not been reported in the literature in individuals affected with MTM1-related conditions. This variant is not present in population databases (gnomAD no frequency). This sequence change replaces proline, which is neutral and non-polar, with alanine, which is neutral and non-polar, at codon 585 of the MTM1 protein (p.Pro585Ala).

Natera, Inc.
Classification: Uncertain significance for Severe X-linked myotubular myopathy. Last evaluated: 2020-11-02. Review status: no assertion criteria provided. Collection method: clinical testing. Allele origin: germline. Not counted in ClinVar's aggregate classification.

NM_000252.3(MTM1):c.1753C>G (p.Pro585Ala)

Gene: MTM1 (myotubularin 1; plus strand). Cytogenetic location: Xq28.
Variant type: single nucleotide variant.
Coding change: c.1753C>G on transcript NM_000252.3 (MANE Select); coding-DNA position 1753, C replaced by G.
Protein change: p.Pro585Ala; replaces proline 585 with alanine.
Molecular consequence: missense variant.
Genome position (GRCh38, 1-based): chrX:150,671,536, C>G. VCF-style: chrX-150671536-C-G. GRCh37 (hg19) VCF-style: chrX-149840009-C-G.
Other names: c.1750C>G, p.Pro584Ala (NM_001376906.1); c.1642C>G, p.Pro548Ala (NM_001376907.1); c.1753C>G, p.Pro585Ala (NM_001376908.1); short protein forms P585A, P548A, P584A.
Identifiers: ClinVar variation 965592 (VCV000965592.14), dbSNP rs1195705222, ClinGen allele CA415023411.